The following is an entry in ClinVar:

ClinVar aggregate classification (germline): Uncertain significance (1 of 4 stars; one submission).

Conditions:
Long QT syndrome (LQTS). Identifiers: MedGen C0023976, MeSH D008133, MONDO:0002442. Disease mechanism: loss of function. Inheritance: Various modes of inheritance.

gnomAD v4.1: 23 of 1,611,488 alleles (0.0014%); highest among the groups gnomAD compares: Middle Eastern, 0.049%; 1 homozygote.

Submission:

Labcorp Genetics (formerly Invitae), Labcorp
Classification: Uncertain significance for Long QT syndrome. Last evaluated: 2023-02-05. Review status: criteria provided, single submitter. Criteria: Invitae Variant Classification Sherloc (09022015). Collection method: clinical testing. Allele origin: germline.
Comment: This sequence change replaces alanine, which is neutral and non-polar, with valine, which is neutral and non-polar, at codon 1871 of the AKAP9 protein (p.Ala1871Val). In summary, the available evidence is currently insufficient to determine the role of this variant in disease. Therefore, it has been classified as a Variant of Uncertain Significance. Algorithms developed to predict the effect of missense changes on protein structure and function are either unavailable or do not agree on the potential impact of this missense change (SIFT: "Tolerated"; PolyPhen-2: "Probably Damaging"; Align-GVGD: "Class C0"). ClinVar contains an entry for this variant (Variation ID: 1027154). This variant has not been reported in the literature in individuals affected with AKAP9-related conditions. This variant is present in population databases (rs748884520, gnomAD 0.003%).

NM_005751.5(AKAP9):c.5612C>T (p.Ala1871Val)

Gene: AKAP9 (A-kinase anchoring protein 9; plus strand). Cytogenetic location: 7q21.2.
Variant type: single nucleotide variant.
Coding change: c.5612C>T on transcript NM_005751.5 (MANE Select); coding-DNA position 5612, C replaced by T.
Protein change: p.Ala1871Val; replaces alanine 1871 with valine.
Molecular consequence: missense variant.
Genome position (GRCh38, 1-based): chr7:92,061,270, C>T. VCF-style: chr7-92061270-C-T. GRCh37 (hg19) VCF-style: chr7-91690584-C-T.
Other names: c.257C>T, p.Ala86Val (NM_001379277.1); c.5612C>T, p.Ala1871Val (NM_147185.3); short protein forms A1871V, A86V.
Identifiers: ClinVar variation 1027154 (VCV001027154.8), dbSNP rs748884520, ClinGen allele CA4336876.
Genomic context (GRCh38, chr7:92,061,270, plus strand): 5'-GTATTTCCACACTTTATTTTCTTTTATGTATTGTTTCCCTCTTTGTTTAGCTTGAACATG[C>T]GAAAGTGACACAGACAGAGTTGATGCGTGAGTCATTTAGACAGAAACAAGAAGCAACAGA-3'
Protein context (NP_005742.4, residues 1861-1881): ISETSSQLEH[Ala1871Val]KVTQTELMRE